The following is an entry in ClinVar:

NM_001136472.2(LITAF):c.*1853A>G

Gene: LITAF (lipopolysaccharide induced TNF factor; minus strand). Cytogenetic location: 16p13.13.
Variant type: single nucleotide variant.
Coding change: c.*1853A>G on transcript NM_001136472.2 (MANE Select); 1853 bases downstream of the stop codon, A replaced by G.
Molecular consequence: 3 prime UTR variant. On other transcripts: non-coding transcript variant (1).
Genome position (GRCh38, 1-based): chr16:11,547,784, T>C on the plus strand (A>G on the coding strand, the complement: LITAF is on the minus strand). VCF-style: chr16-11547784-T-C. GRCh37 (hg19) VCF-style: chr16-11641640-T-C.
Other names: c.*1978A>G (NM_001136473.1); c.*1853A>G (NM_004862.4).
Identifiers: ClinVar variation 317752 (VCV000317752.5), dbSNP rs759832566, ClinGen allele CA7903879.

ClinVar aggregate classification (germline): Likely benign (1 of 4 stars; one submission).

Conditions:
Charcot-Marie-Tooth disease type 1C. Also called: CHARCOT-MARIE-TOOTH DISEASE, DEMYELINATING, TYPE 1C; CMT, SLOW NERVE CONDUCTION TYPE C; HMSN IC; Charcot-Marie-Tooth disease, type IC; CHARCOT-MARIE-TOOTH NEUROPATHY, TYPE 1C; NEUROPATHY, HEREDITARY MOTOR AND SENSORY, TYPE IC. Identifiers: Orphanet 101083, MedGen C0270913, MONDO:0010995, OMIM 601098.

Allele frequency attached by ClinVar (database versions not stated): TOPMed below 0.00001; gnomAD exomes 0.00011; gnomAD 0.00001; 1000 Genomes Project 30x 0.00016; ExAC 0.00074.
gnomAD v4.1: 34 of 454,174 alleles (0.0075%); highest among the groups gnomAD compares: South Asian, 0.05%; no homozygotes.

Submission:

Illumina Laboratory Services, Illumina
Classification: Likely benign for Charcot-Marie-Tooth disease type 1C. Last evaluated: 2018-01-12. Review status: criteria provided, single submitter. Criteria: ICSL Variant Classification Criteria 13 December 2019. Collection method: clinical testing. Allele origin: germline.
Comment: This variant was observed in the ICSL laboratory as part of a predisposition screen in an ostensibly healthy population. It had not been previously curated by ICSL or reported in the Human Gene Mutation Database (HGMD: prior to June 1st, 2018), and was therefore a candidate for classification through an automated scoring system. Utilizing variant allele frequency, disease prevalence and penetrance estimates, and inheritance mode, an automated score was calculated to assess if this variant is too frequent to cause the disease. Based on the score and internal cut-off values, a variant classified as likely benign is not then subjected to further curation. The score for this variant resulted in a classification of likely benign for this disease.